The following is an entry in ClinVar:

ClinVar aggregate classification (germline): Uncertain significance. Review status: criteria provided, multiple submitters, no conflicts (2 of 4 stars). 2 submissions from 2 submitters: Uncertain significance (2). Last evaluated 2026-02-19.

Conditions:
Charcot-Marie-Tooth disease type 1C. Also called: CHARCOT-MARIE-TOOTH NEUROPATHY, TYPE 1C; NEUROPATHY, HEREDITARY MOTOR AND SENSORY, TYPE IC; Charcot-Marie-Tooth disease, type IC; CMT, SLOW NERVE CONDUCTION TYPE C; HMSN IC; CHARCOT-MARIE-TOOTH DISEASE, DEMYELINATING, TYPE 1C. Identifiers: Orphanet 101083, MedGen C0270913, MONDO:0010995, OMIM 601098.
LITAF-related disorder. Also called: LITAF-related condition.

Allele frequency attached by ClinVar (database versions not stated): gnomAD exomes below 0.00001 and 0.00001; ExAC 0.00001; gnomAD 0.00001 and 0.00002; TOPMed 0.00002.
gnomAD v4.1: 5 of 1,613,926 alleles (0.00031%); highest among the groups gnomAD compares: Admixed American, 0.0017%; no homozygotes.

Submissions (2):

PreventionGenetics, part of Exact Sciences
Classification: Uncertain significance for LITAF-related condition. Last evaluated: 2026-02-19. Review status: criteria provided, single submitter. Criteria: ACMG Guidelines, 2015. Collection method: clinical testing. Allele origin: germline.
Comment: The LITAF c.223A>G variant is predicted to result in the amino acid substitution p.Thr75Ala. To our knowledge, this variant has not been reported in the literature. This variant is reported in 0.0058% of alleles in individuals of Latino descent in gnomAD. At this time, the clinical significance of this variant is uncertain due to the absence of conclusive functional and genetic evidence.

Labcorp Genetics (formerly Invitae), Labcorp
Classification: Uncertain significance for Charcot-Marie-Tooth disease type 1C. Last evaluated: 2024-10-18. Review status: criteria provided, single submitter. Criteria: Invitae Variant Classification Sherloc (09022015). Collection method: clinical testing. Allele origin: germline.
Comment: This sequence change replaces threonine, which is neutral and polar, with alanine, which is neutral and non-polar, at codon 75 of the LITAF protein (p.Thr75Ala). This variant is present in population databases (rs756539992, gnomAD 0.006%). This variant has not been reported in the literature in individuals affected with LITAF-related conditions. ClinVar contains an entry for this variant (Variation ID: 657497). An algorithm developed to predict the effect of missense changes on protein structure and function outputs the following: PolyPhen-2: "Benign". The alanine amino acid residue is found in multiple mammalian species, which suggests that this missense change does not adversely affect protein function. In summary, the available evidence is currently insufficient to determine the role of this variant in disease. Therefore, it has been classified as a Variant of Uncertain Significance.

NM_001136472.2(LITAF):c.223A>G (p.Thr75Ala)

Gene: LITAF (lipopolysaccharide induced TNF factor; minus strand). Cytogenetic location: 16p13.13.
Variant type: single nucleotide variant.
Coding change: c.223A>G on transcript NM_001136472.2 (MANE Select); coding-DNA position 223, A replaced by G.
Protein change: p.Thr75Ala; replaces threonine 75 with alanine.
Molecular consequence: missense variant. On other transcripts: non-coding transcript variant (1).
Genome position (GRCh38, 1-based): chr16:11,553,687, T>C on the plus strand (A>G on the coding strand, the complement: LITAF is on the minus strand). VCF-style: chr16-11553687-T-C. GRCh37 (hg19) VCF-style: chr16-11647543-T-C.
Other names: c.223A>G, p.Thr75Ala (NM_001136473.1, NM_004862.4); short protein forms T75A.
Identifiers: ClinVar variation 657497 (VCV000657497.9), dbSNP rs756539992, ClinGen allele CA7904108.
Genomic context (GRCh38, chr16:11,553,687, plus strand): 5'-ACATTTGGATAGGGCGGTCCAAAAAGGTGATGGGGTGCTGCACGTAGACCGTCTGCACGG[T>C]AACTGATGAAAGGGAGAGGGACAAACACAGGTTGCTCAGGAAACAAGGCCAATAGCATTC-3'
Protein context (NP_001129944.1, residues 65-85): PAPIPNNNPI[Thr75Ala]VQTVYVQHPI